The following is an entry in ClinVar:

NM_003227.4(TFR2):c.1090G>A (p.Ala364Thr)

Gene: TFR2 (transferrin receptor 2; minus strand). Cytogenetic location: 7q22.1.
Variant type: single nucleotide variant.
Coding change: c.1090G>A on transcript NM_003227.4 (MANE Select); coding-DNA position 1090, G replaced by A.
Protein change: p.Ala364Thr; replaces alanine 364 with threonine.
Molecular consequence: missense variant.
Genome position (GRCh38, 1-based): chr7:100,631,822, C>T on the plus strand (G>A on the coding strand, the complement: TFR2 is on the minus strand). VCF-style: chr7-100631822-C-T. GRCh37 (hg19) VCF-style: chr7-100229445-C-T.
Other names: c.577G>A, p.Ala193Thr (NM_001206855.3); short protein forms A193T, A364T.
Identifiers: ClinVar variation 969251 (VCV000969251.12), dbSNP rs41303480, ClinGen allele CA4386609.

ClinVar aggregate classification (germline): Uncertain significance. Review status: criteria provided, multiple submitters, no conflicts (2 of 4 stars). 3 submissions from 3 submitters: Uncertain significance (2). 1 of the submissions does not count toward it. Last evaluated 2021-09-01.

Conditions:
Hereditary hemochromatosis (HFE). Identifiers: MedGen C0392514, MONDO:0006507. Disease mechanism: loss of function.
Hemochromatosis type 3 (HFE3). Also called: TFR2-Related Hemochromatosis; Hereditary hemochromatosis type 3; HEMOCHROMATOSIS DUE TO DEFECT IN TRANSFERRIN RECEPTOR 2. Identifiers: Orphanet 225123, MedGen C1858664, MONDO:0011417, OMIM 604250.

Allele frequency attached by ClinVar (database versions not stated): gnomAD exomes 0.00004 and 0.00009; gnomAD 0.00005 and 0.00006; ExAC 0.00007; TOPMed 0.00015; 1000 Genomes Project 30x 0.00031; 1000 Genomes Project 0.00040.
gnomAD v4.1: 72 of 1,612,804 alleles (0.0045%); highest among the groups gnomAD compares: East Asian, 0.14%; no homozygotes.

Submissions (3):

Labcorp Genetics (formerly Invitae), Labcorp
Classification: Uncertain significance for Hereditary hemochromatosis. Last evaluated: 2021-09-01. Review status: criteria provided, single submitter. Criteria: Invitae Variant Classification Sherloc (09022015). Collection method: clinical testing. Allele origin: germline.
Comment: This sequence change replaces alanine with threonine at codon 364 of the TFR2 protein (p.Ala364Thr). The alanine residue is highly conserved and there is a small physicochemical difference between alanine and threonine. This variant is present in population databases (rs41303480, ExAC 0.09%). This variant has not been reported in the literature in individuals affected with TFR2-related conditions. Algorithms developed to predict the effect of missense changes on protein structure and function output the following: SIFT: "Deleterious"; PolyPhen-2: "Possibly Damaging"; Align-GVGD: "Class C0". The threonine amino acid residue is found in multiple mammalian species, which suggests that this missense change does not adversely affect protein function. In summary, the available evidence is currently insufficient to determine the role of this variant in disease. Therefore, it has been classified as a Variant of Uncertain Significance.

Breakthrough Genomics
Classification: Uncertain significance. Review status: criteria provided, single submitter. Criteria: ACMG Guidelines, 2015. Collection method: not provided. Allele origin: germline. Inheritance: Autosomal recessive inheritance. Affected: yes.

Natera, Inc.
Classification: Uncertain significance for Hereditary hemochromatosis type 3. Last evaluated: 2020-01-15. Review status: no assertion criteria provided. Collection method: clinical testing. Allele origin: germline. Not counted in ClinVar's aggregate classification.